The following is an entry in ClinVar:

NM_001291867.2(NHS):c.50G>A (p.Arg17Gln)

Gene: NHS (NHS actin remodeling regulator; plus strand). Cytogenetic location: Xp22.2.
Variant type: single nucleotide variant.
Coding change: c.50G>A on transcript NM_001291867.2 (MANE Select); coding-DNA position 50, G replaced by A.
Protein change: p.Arg17Gln; replaces arginine 17 with glutamine.
Molecular consequence: missense variant.
Genome position (GRCh38, 1-based): chrX:17,375,807, G>A. VCF-style: chrX-17375807-G-A. GRCh37 (hg19) VCF-style: chrX-17393930-G-A.
Other names: c.50G>A, p.Arg17Gln (NM_198270.4); short protein forms R17Q.
Identifiers: ClinVar variation 4809819 (VCV004809819.1).

ClinVar aggregate classification (germline): Uncertain significance (1 of 4 stars; one submission).

Conditions:
Nance-Horan syndrome (NHS). Identifiers: Orphanet 627, MedGen C0796085, MONDO:0010545, OMIM 302350.

gnomAD v4.1: 1 of 1,152,229 alleles (0.000087%); highest among the groups gnomAD compares: African/African-American, 0.0018%; no homozygotes.

Submission:

Labcorp Genetics (formerly Invitae), Labcorp
Classification: Uncertain significance for Nance-Horan syndrome. Last evaluated: 2026-01-09. Review status: criteria provided, single submitter. Criteria: Invitae Variant Classification Sherloc (09022015). Collection method: clinical testing. Allele origin: germline.
Comment: This sequence change replaces arginine, which is basic and polar, with glutamine, which is neutral and polar, at codon 17 of the NHS protein (p.Arg17Gln). This variant is not present in population databases (gnomAD no frequency). This variant has not been reported in the literature in individuals affected with NHS-related conditions. An algorithm developed to predict the effect of missense changes on protein structure and function (PolyPhen-2) suggests that this variant is likely to be disruptive. In summary, the available evidence is currently insufficient to determine the role of this variant in disease. Therefore, it has been classified as a Variant of Uncertain Significance.